The following is an entry in ClinVar:

ClinVar aggregate classification (germline): Uncertain significance (1 of 4 stars; one submission).

Submission:

Labcorp Genetics (formerly Invitae), Labcorp
Classification: Uncertain significance. Last evaluated: 2025-08-11. Review status: criteria provided, single submitter. Criteria: Invitae Variant Classification Sherloc (09022015). Collection method: clinical testing. Allele origin: germline.
Comment: This sequence change replaces alanine, which is neutral and non-polar, with valine, which is neutral and non-polar, at codon 700 of the STAG2 protein (p.Ala700Val). This variant is not present in population databases (gnomAD no frequency). This variant has not been reported in the literature in individuals affected with STAG2-related conditions. An algorithm developed to predict the effect of missense changes on protein structure and function (PolyPhen-2) suggests that this variant is likely to be tolerated. In summary, the available evidence is currently insufficient to determine the role of this variant in disease. Therefore, it has been classified as a Variant of Uncertain Significance.

NM_001042750.2(STAG2):c.2099C>T (p.Ala700Val)

Gene: STAG2 (STAG2 cohesin complex component; plus strand). Cytogenetic location: Xq25.
Variant type: single nucleotide variant.
Coding change: c.2099C>T on transcript NM_001042750.2 (MANE Select); coding-DNA position 2099, C replaced by T.
Protein change: p.Ala700Val; replaces alanine 700 with valine.
Molecular consequence: missense variant.
Genome position (GRCh38, 1-based): chrX:124,066,177, C>T. VCF-style: chrX-124066177-C-T. GRCh37 (hg19) VCF-style: chrX-123200027-C-T.
Other names: c.2099C>T, p.Ala700Val (NM_001375374.1, NM_001375375.1, NM_001375376.1 and 23 more transcripts); short protein forms A700V.
Identifiers: ClinVar variation 4774371 (VCV004774371.1).